The following is an entry in ClinVar:

ClinVar aggregate classification (germline): Uncertain significance (1 of 4 stars; one submission).

Conditions:
PKD1L1-related disorder. Also called: PKD1L1-related condition.

gnomAD v4.1: 69 of 1,613,782 alleles (0.0043%); highest among the groups gnomAD compares: South Asian, 0.045%; no homozygotes.

Submission:

PreventionGenetics, part of Exact Sciences
Classification: Uncertain significance for PKD1L1-related condition. Last evaluated: 2026-08-11. Review status: criteria provided, single submitter. Criteria: ACMG Guidelines, 2015. Collection method: clinical testing. Allele origin: germline.
Comment: The PKD1L1 c.3862C>T variant is predicted to result in the amino acid substitution p.Arg1288Cys. To our knowledge, this variant has not been reported in the literature in association with PKD1L1-related disease. This variant is reported in 0.039% of alleles in individuals of South Asian descent in gnomAD. At this time, the clinical significance of this variant is uncertain due to the absence of conclusive functional and genetic evidence.

NM_138295.5(PKD1L1):c.3862C>T (p.Arg1288Cys)

Gene: PKD1L1 (polycystin 1 like 1, transient receptor potential channel interacting; minus strand). Cytogenetic location: 7p12.3.
Variant type: single nucleotide variant.
Coding change: c.3862C>T on transcript NM_138295.5 (MANE Select); coding-DNA position 3862, C replaced by T.
Protein change: p.Arg1288Cys; replaces arginine 1288 with cysteine.
Molecular consequence: missense variant.
Genome position (GRCh38, 1-based): chr7:47,873,933, G>A on the plus strand (C>T on the coding strand, the complement: PKD1L1 is on the minus strand). VCF-style: chr7-47873933-G-A. GRCh37 (hg19) VCF-style: chr7-47913531-G-A.
Other names: short protein forms R1288C.
Identifiers: ClinVar variation 4980132 (VCV004980132.1).
Genomic context (GRCh38, chr7:47,873,933, plus strand): 5'-TGTCTGTGTGGCATTGTGTTACTCACAGGTCCTCGCCCAGACAGTCATTTCCATGGTAGC[G>A]GGGCAGCACAGTCACCACCACAGTGCACGGCTGGACCTTGGAGCCTTTGCCATCTGTGAT-3'
Protein context (NP_612152.1, residues 1278-1298): PCTVVVTVLP[Arg1288Cys]YHGNDCLGED